The following is an entry in ClinVar:

ClinVar aggregate classification (germline): Likely benign. Review status: criteria provided, multiple submitters, no conflicts (2 of 4 stars). 6 submissions from 6 submitters: Likely benign (6). Last evaluated 2025-12-05.

Conditions:
LAMA1-related disorder. Also called: LAMA1-related condition; LAMA1-related disorders.

Allele frequency attached by ClinVar (database versions not stated): TOPMed 0.00060; gnomAD 0.00064 and 0.00067; ESP Exome Variant Server 0.00100; gnomAD exomes 0.00101 and 0.00114; ExAC 0.00123.
gnomAD v4.1: 1,736 of 1,614,214 alleles (0.11%); highest among the groups gnomAD compares: Middle Eastern, 0.23%; 2 homozygotes.

Submissions (6):

Mayo Clinic Laboratories, Mayo Clinic
Classification: Likely benign. Last evaluated: 2025-12-05. Review status: criteria provided, single submitter. Criteria: ACMG Guidelines, 2015. Collection method: clinical testing. Allele origin: germline. Observed: 1 variant allele.
Comment: BS1, BP4

Women's Health and Genetics/Laboratory Corporation of America, LabCorp
Classification: Likely benign. Last evaluated: 2025-12-02. Review status: criteria provided, single submitter. Criteria: LabCorp Variant Classification Summary - May 2015. Collection method: clinical testing. Allele origin: germline.
Comment: Variant summary: LAMA1 c.6064G>A (p.Ala2022Thr) results in a non-conservative amino acid change located in the laminin domain II (IPR010307) of the encoded protein sequence. Algorithms developed to predict the effect of missense changes on protein structure and function are either unavailable or do not agree on the potential impact of this missense change. The variant allele was found at a frequency of 0.001 in 251432 control chromosomes, predominantly at a frequency of 0.0025 within the Finnish subpopulation in the gnomAD database. The observed variant frequency within Finnish control individuals in the gnomAD database exceeds the estimated maximal expected allele frequency for disease-causing variants in LAMA1. To our knowledge, no occurrence of c.6064G>A in individuals affected with LAMA1-related conditions and no experimental evidence demonstrating its impact on protein function have been reported. ClinVar contains an entry for this variant (Variation ID: 733133). Based on the evidence outlined above, the variant was classified as likely benign.

Labcorp Genetics (formerly Invitae), Labcorp
Classification: Likely benign. Last evaluated: 2025-09-24. Review status: criteria provided, single submitter. Criteria: Invitae Variant Classification Sherloc (09022015). Collection method: clinical testing. Allele origin: germline.

PreventionGenetics, part of Exact Sciences
Classification: Likely benign for LAMA1-related condition. Last evaluated: 2025-05-02. Review status: criteria provided, single submitter. Criteria: ACMG Guidelines, 2015. Collection method: clinical testing. Allele origin: germline.
Comment: This variant is classified as likely benign based on ACMG/AMP sequence variant interpretation guidelines (Richards et al. 2015 PMID: 25741868, with internal and published modifications).

Blueprint Genetics
Classification: Likely benign. Last evaluated: 2024-09-19. Review status: criteria provided, single submitter. Criteria: ACMG Guidelines, 2015. Collection method: clinical testing. Allele origin: germline.

CeGaT Center for Human Genetics Tuebingen
Classification: Likely benign. Last evaluated: 2024-09-01. Review status: criteria provided, single submitter. Criteria: CeGaT Center For Human Genetics Tuebingen Variant Classification Criteria Version 2. Collection method: clinical testing. Allele origin: germline. Affected: yes. Observed: 2 variant alleles.
Comment: LAMA1: BP4

NM_005559.4(LAMA1):c.6064G>A (p.Ala2022Thr)

Gene: LAMA1 (laminin subunit alpha 1; minus strand). Cytogenetic location: 18p11.31.
Variant type: single nucleotide variant.
Coding change: c.6064G>A on transcript NM_005559.4 (MANE Select); coding-DNA position 6064, G replaced by A.
Protein change: p.Ala2022Thr; replaces alanine 2022 with threonine.
Molecular consequence: missense variant.
Genome position (GRCh38, 1-based): chr18:6,978,322, C>T on the plus strand (G>A on the coding strand, the complement: LAMA1 is on the minus strand). VCF-style: chr18-6978322-C-T. GRCh37 (hg19) VCF-style: chr18-6978321-C-T.
Other names: p.Ala2022Thr; short protein forms A2022T.
Identifiers: ClinVar variation 733133 (VCV000733133.40), dbSNP rs140764072, ClinGen allele CA8881369.
Genomic context (GRCh38, chr18:6,978,322, plus strand): 5'-TGGCAGATGTGTTCAGCAGCTCCTGGCTCAGCCCCGCCACGTCCCTCAGCGTGCTCACCG[C>T]GCTCTGGCTTGCAGACGTGGCCAGCTCTTTGGTTTTGGCTCCCTTGTCTCTTATACCTAA-3'
Protein context (NP_005550.2, residues 2012-2032): KELATSASQS[Ala2022Thr]VSTLRDVAGL